The following is an entry in ClinVar:

ClinVar aggregate classification (germline): Likely benign. Review status: criteria provided, multiple submitters, no conflicts (2 of 4 stars). 8 submissions from 8 submitters: Likely benign (5). 3 of the submissions do not count toward it. Last evaluated 2026-01-05.

Conditions:
Inborn genetic diseases. Identifiers: MedGen C0950123, MeSH D030342.
DDX59-related disorder. Also called: DDX59-related condition.

Allele frequency attached by ClinVar (database versions not stated): 1000 Genomes Project 30x 0.00141; 1000 Genomes Project 0.00180; gnomAD 0.00272 and 0.00277; ExAC 0.00280; gnomAD exomes 0.00280; TOPMed 0.00312; ESP Exome Variant Server 0.00369.
gnomAD v4.1: 5,218 of 1,614,188 alleles (0.32%); highest among the groups gnomAD compares: Middle Eastern, 1.5%; 20 homozygotes.

Submissions (8):

Labcorp Genetics (formerly Invitae), Labcorp
Classification: Likely benign. Last evaluated: 2026-01-05. Review status: criteria provided, single submitter. Criteria: Invitae Variant Classification Sherloc (09022015). Collection method: clinical testing. Allele origin: germline.

CeGaT Center for Human Genetics Tuebingen
Classification: Likely benign. Last evaluated: 2024-12-01. Review status: criteria provided, single submitter. Criteria: CeGaT Center For Human Genetics Tuebingen Variant Classification Criteria Version 2. Collection method: clinical testing. Allele origin: germline. Affected: yes. Observed: 11 variant alleles.
Comment: DDX59: BP4, BS2

Blueprint Genetics
Classification: Likely benign. Last evaluated: 2024-11-26. Review status: criteria provided, single submitter. Criteria: ACMG Guidelines, 2015. Collection method: clinical testing. Allele origin: germline.

Ambry Genetics
Classification: Likely benign for Inborn genetic diseases. Last evaluated: 2021-08-26. Review status: criteria provided, single submitter. Criteria: Ambry Variant Classification Scheme 2023. Collection method: clinical testing. Allele origin: germline.

Breakthrough Genomics
Classification: Likely benign. Review status: criteria provided, single submitter. Criteria: ACMG Guidelines, 2015. Collection method: not provided. Allele origin: germline. Inheritance: Autosomal recessive inheritance. Affected: yes.

PreventionGenetics, part of Exact Sciences
Classification: Benign for DDX59-related condition. Last evaluated: 2019-06-13. Review status: no assertion criteria provided. Collection method: clinical testing. Allele origin: germline. Not counted in ClinVar's aggregate classification.
Comment: This variant is classified as benign based on ACMG/AMP sequence variant interpretation guidelines (Richards et al. 2015 PMID: 25741868, with internal and published modifications).

Genome Diagnostics Laboratory, University Medical Center Utrecht
Classification: Likely benign. Review status: no assertion criteria provided. Collection method: clinical testing. Allele origin: germline. Affected: yes. Study: VKGL Data-share Consensus. Not counted in ClinVar's aggregate classification.

Laboratory of Diagnostic Genome Analysis, Leiden University Medical Center (LUMC)
Classification: Likely benign. Review status: no assertion criteria provided. Collection method: clinical testing. Allele origin: germline. Affected: yes. Study: VKGL Data-share Consensus. Not counted in ClinVar's aggregate classification.

NM_001031725.6(DDX59):c.148G>C (p.Ala50Pro)

Gene: DDX59 (DEAD-box helicase 59; minus strand). Cytogenetic location: 1q32.1.
Variant type: single nucleotide variant.
Coding change: c.148G>C on transcript NM_001031725.6 (MANE Select); coding-DNA position 148, G replaced by C.
Protein change: p.Ala50Pro; replaces alanine 50 with proline.
Molecular consequence: missense variant.
Genome position (GRCh38, 1-based): chr1:200,666,593, C>G on the plus strand (G>C on the coding strand, the complement: DDX59 is on the minus strand). VCF-style: chr1-200666593-C-G. GRCh37 (hg19) VCF-style: chr1-200635721-C-G.
Other names: c.148G>C, p.Ala50Pro (NM_001320181.2, NM_001320182.1, NM_001349799.3 and 5 more transcripts); c.148G>C (NM_001031725.4); short protein forms A50P.
Identifiers: ClinVar variation 770685 (VCV000770685.38), dbSNP rs150913822, ClinGen allele CA1318535.
Genomic context (GRCh38, chr1:200,666,593, plus strand): 5'-CCAACTGGCCACCTGGGCTGGGGAAAGGGCATGATTCGCTGATGTGCCTGTCTATTGTGG[C>G]TGCTTCTGTAGCTACAGCATCAACGGGAACATCTCTGCTTTTGTCCAACTGAAGGTCTTC-3'
Protein context (NP_001026895.2, residues 40-60): VPVDAVATEA[Ala50Pro]TIDRHISESC